The following is an entry in ClinVar:

ClinVar aggregate classification (germline): Uncertain significance. Review status: criteria provided, multiple submitters, no conflicts (2 of 4 stars). 5 submissions from 5 submitters: Uncertain significance (3). 2 of the submissions do not count toward it. Last evaluated 2024-11-05.

Conditions:
Fanconi anemia (FA). Also called: Fanconi's anemia. Identifiers: Orphanet 84, MedGen C0015625, MeSH D005199, MONDO:0019391.
Fanconi anemia complementation group A (FANCA). Also called: Fanconi anemia, group A; FANCA-Related Fanconi Anemia. Identifiers: Orphanet 84, MedGen C3469521, MONDO:0009215, OMIM 227650.

Submissions (5):

Blueprint Genetics
Classification: Uncertain significance. Last evaluated: 2024-11-05. Review status: criteria provided, single submitter. Criteria: ACMG Guidelines, 2015. Collection method: clinical testing. Allele origin: germline.

Labcorp Genetics (formerly Invitae), Labcorp
Classification: Uncertain significance for Fanconi anemia. Last evaluated: 2024-10-22. Review status: criteria provided, single submitter. Criteria: Invitae Variant Classification Sherloc (09022015). Collection method: clinical testing. Allele origin: germline.
Comment: This variant, c.3959_3961del, results in the deletion of 1 amino acid(s) of the FANCA protein (p.Leu1320del), but otherwise preserves the integrity of the reading frame. This variant is present in population databases (no rsID available, gnomAD 0.005%). This variant has not been reported in the literature in individuals affected with FANCA-related conditions. ClinVar contains an entry for this variant (Variation ID: 550150). Experimental studies and prediction algorithms are not available or were not evaluated, and the functional significance of this variant is currently unknown. In summary, the available evidence is currently insufficient to determine the role of this variant in disease. Therefore, it has been classified as a Variant of Uncertain Significance.

Genetic Services Laboratory, University of Chicago
Classification: Uncertain significance. Last evaluated: 2021-08-13. Review status: criteria provided, single submitter. Criteria: ACMG Guidelines, 2015. Collection method: clinical testing. Allele origin: germline. Affected: no.
Comment: DNA sequence analysis of the FANCA gene demonstrated a three base pair deletion in exon 40, c.3959_3961del. This in-frame deletion is predicted to result in the deletion of a single amino acid residue, p.Leu1320del. This sequence change has been described in the gnomAD database with a frequency of 0.0067% in the non-Finnish European subpopulation (db SNP rs927201841). This sequence change does not appear to have been previously described in individuals with FANCA-related disorders. The functional significance of this sequence change is not known at present and its contribution to this individual's disease phenotype cannot definitively be determined.

Natera, Inc.
Classification: Uncertain significance for Fanconi anemia. Last evaluated: 2019-10-28. Review status: no assertion criteria provided. Collection method: clinical testing. Allele origin: germline. Not counted in ClinVar's aggregate classification.

Counsyl
Classification: Uncertain significance for Fanconi anemia complementation group A. Last evaluated: 2017-01-03. Review status: no assertion criteria provided. Collection method: clinical testing. Allele origin: unknown. Not counted in ClinVar's aggregate classification.

NM_000135.4(FANCA):c.3953TCC[2] (p.Leu1320del)

Genes: FANCA (FA complementation group A; minus strand), ZNF276 (zinc finger protein 276; plus strand). Cytogenetic location: 16q24.3.
Variant type: Microsatellite.
Coding change: c.3953TCC[2] on transcript NM_000135.4 (MANE Select); two copies in a row of the 3-base unit TCC starting at c.3953; the reference has three copies in a row; one copy, 3 bases deleted; also written c.3959_3961del.
Protein change: p.Leu1320del; deletes leucine 1320.
Molecular consequence: inframe deletion. On other transcripts: inframe indel (2), 3 prime UTR variant (2), non-coding transcript variant (4).
Genome position (GRCh38, 1-based): chr16:89,739,527-89,739,529, GGA deleted on the plus strand (TCC on the coding strand, the reverse complement: FANCA is on the minus strand); deleting any 3 consecutive bases within chr16:89,739,527-89,739,536 gives the same sequence; the position shown is the placement nearest the transcript's 3' end. VCF-style (leftmost placement, unchanged base first): chr16-89739526-CGGA-C. GRCh37 (hg19) VCF-style: chr16-89805934-CGGA-C.
Other names: c.3952_3954CTC[2], p.Leu1320del (NM_000135.2); c.3953TCC[2], p.Leu1320del (NM_001286167.3); c.*1282GAG[2] (NM_001113525.2, NM_152287.4); c.3959_3961delTCC (NM_000135.2); c.3959_3961del (NM_000135.4); short protein forms L1320del.
Identifiers: ClinVar variation 550150 (VCV000550150.14), dbSNP rs927201841, ClinGen allele CA286617244.
Genomic context (GRCh38, chr16:89,739,526, plus strand): 5'-GGGTGGAGGTACCTGTAAAAAGCGAAAGGCAGCAGCCTGGTGTGCTGATCCGGGGCCACA[CGGA>C]GGAGGAGCCGCCCCAGCCTGAGGTCTGCAACACCAAGAAGTGGCTCAGGCAACTCTGGAC-3'